The following is an entry in ClinVar:

NM_145167.3(PIGM):c.1254_1257del (p.Arg419fs)

Gene: PIGM (phosphatidylinositol glycan anchor biosynthesis class M; minus strand). Cytogenetic location: 1q23.2.
Variant type: Microsatellite.
Coding change: c.1254_1257del on transcript NM_145167.3 (MANE Select); coding-DNA positions 1254 to 1257, 4 bases deleted (GAGA; older notation c.1254_1257delGAGA).
Protein change: p.Arg419fs; shifts the reading frame from arginine 419.
Molecular consequence: frameshift variant.
Genome position (GRCh38, 1-based): chr1:160,030,483-160,030,486, TCTC deleted on the plus strand (GAGA on the coding strand, the reverse complement: PIGM is on the minus strand); deleting any 4 consecutive bases within chr1:160,030,483-160,030,489 gives the same sequence; the c. name uses the placement nearest the transcript's 3' end. VCF-style (leftmost placement, unchanged base first): chr1-160030482-TTCTC-T. GRCh37 (hg19) VCF-style: chr1-160000272-TTCTC-T.
Other names: c.1254_1257del (NM_145167.2); short protein forms R419fs.
Identifiers: ClinVar variation 503728 (VCV000503728.22), dbSNP rs755366154, ClinGen allele CA1192901.
Genomic context (GRCh38, chr1:160,030,482, plus strand): 5'-AAGACAATCAGAATGTAACACAGTAGCAGAGGGTGTGGAACATACACTAGTCATATTTGA[TTCTC>T]TCTGTCAGGGGTTCTTCTTTGTAATGGGAAATAATTTGAATCAGGATGGAACAATTGATA-3'

ClinVar aggregate classification (germline): Uncertain significance. Review status: criteria provided, multiple submitters, no conflicts (2 of 4 stars). 6 submissions from 6 submitters: Uncertain significance (5). 1 of the submissions does not count toward it. Last evaluated 2025-12-23.

Conditions:
Hypercoagulability syndrome due to glycosylphosphatidylinositol deficiency (GPIBD1). Also called: GLYCOSYLPHOSPHATIDYLINOSITOL BIOSYNTHESIS DEFECT 1. Identifiers: Orphanet 83639, MedGen C5201145, MONDO:0012465, OMIM 610293.
PIGM-related disorder. Also called: PIGM-related condition.

Submissions (6):

Labcorp Genetics (formerly Invitae), Labcorp
Classification: Uncertain significance for Hypercoagulability syndrome due to glycosylphosphatidylinositol deficiency. Last evaluated: 2025-12-23. Review status: criteria provided, single submitter. Criteria: Invitae Variant Classification Sherloc (09022015). Collection method: clinical testing. Allele origin: germline.
Comment: This sequence change is expected to alter the c-terminus of the PIGM protein (p.Arg419Serfs*81). While this is not anticipated to result in nonsense mediated decay, it is expected to disrupt the last 5 amino acid(s) of the PIGM protein. This variant is present in population databases (rs778121685, gnomAD 0.01%). This variant has not been reported in the literature in individuals affected with PIGM-related conditions. ClinVar contains an entry for this variant (Variation ID: 503728). Experimental studies and prediction algorithms are not available or were not evaluated, and the functional significance of this variant is currently unknown. In summary, the available evidence is currently insufficient to determine the role of this variant in disease. Therefore, it has been classified as a Variant of Uncertain Significance.

GeneDx
Classification: Uncertain significance. Last evaluated: 2024-02-22. Review status: criteria provided, single submitter. Criteria: GeneDx Variant Classification Process June 2021. Collection method: clinical testing. Allele origin: germline. Affected: yes.
Comment: Not observed at significant frequency in large population cohorts (gnomAD); Frameshift variant predicted to result in protein extension as the last 5 amino acids are replaced with 80 different amino acids, although loss-of-function variants have not been reported downstream of this position in the protein; Has not been previously published as pathogenic or benign to our knowledge

Ambry Genetics
Classification: Uncertain significance. Last evaluated: 2021-05-03. Review status: criteria provided, single submitter. Criteria: Ambry Variant Classification Scheme 2023. Collection method: clinical testing. Allele origin: germline.
Comment: The c.1254_1257delGAGA (p.R419Sfs*81) alteration, located in exon 1 (coding exon 1) of the PIGM gene, consists of a deletion of 4 nucleotides from position 1254 to 1257, causing a translational frameshift with a predicted alternate stop codon after 81 amino acids. Based on insufficient or conflicting evidence, the clinical significance of this alteration remains unclear.

Eurofins Ntd Llc (ga)
Classification: Uncertain significance. Last evaluated: 2018-07-09. Review status: criteria provided, single submitter. Criteria: EGL ClinVar v180209 classification definitions. Collection method: clinical testing. Allele origin: germline.

Breakthrough Genomics
Classification: Uncertain significance. Review status: criteria provided, single submitter. Criteria: ACMG Guidelines, 2015. Collection method: not provided. Allele origin: germline. Inheritance: Autosomal recessive inheritance. Affected: yes.

PreventionGenetics, part of Exact Sciences
Classification: Uncertain significance for PIGM-related condition. Last evaluated: 2024-06-11. Review status: no assertion criteria provided. Collection method: clinical testing. Allele origin: germline. Not counted in ClinVar's aggregate classification.
Comment: The PIGM c.1254_1257delGAGA variant is predicted to result in a frameshift and premature protein termination (p.Arg419Serfs*81). To our knowledge, this variant has not been reported in the literature. This variant is predicted to result in a frameshift and extension of the protein beyond the normal stop codon (p.Arg419Serfs*81). This variant is reported in 0.012% of alleles in individuals of European (Non-Finnish) descent in gnomAD. At this time, the clinical significance of this variant is uncertain due to the absence of conclusive functional and genetic evidence.